The following is an entry in ClinVar:

NM_000277.3(PAH):c.463del (p.Arg155fs)

Gene: PAH (phenylalanine hydroxylase; minus strand). Cytogenetic location: 12q23.2.
Variant type: Deletion.
Coding change: c.463del on transcript NM_000277.3 (MANE Select); coding-DNA position 463, one base deleted (C; older notation c.463delC).
Protein change: p.Arg155fs; shifts the reading frame from arginine 155.
Molecular consequence: frameshift variant.
Genome position (GRCh38, 1-based): chr12:102,866,642, G deleted on the plus strand (C on the coding strand, the reverse complement: PAH is on the minus strand); the first of 2 consecutive G bases (chr12:102,866,642-102,866,643); deleting either gives the same sequence. VCF-style (leftmost placement, unchanged base first): chr12-102866641-CG-C. GRCh37 (hg19) VCF-style: chr12-103260419-CG-C.
Other names: c.463del, p.Arg155fs (NM_001354304.2); short protein forms R155fs.
Identifiers: ClinVar variation 987780 (VCV000987780.1), dbSNP rs1875984331, ClinGen allele CA1139532470.

ClinVar aggregate classification (germline): Pathogenic (3 of 4 stars; one submission).

Conditions:
Phenylketonuria (PKU). Also called: OLIGOPHRENIA PHENYLPYRUVICA; Phenylketonuria (PKU); Phenylketonurias; FOLLING DISEASE. Identifiers: Orphanet 716, MedGen C0031485, MONDO:0009861, OMIM 261600. Disease mechanism: loss of function.

Submission:

ClinGen PAH Variant Curation Expert Panel
Classification: Pathogenic for Phenylketonuria. Last evaluated: 2020-10-15. Review status: reviewed by expert panel. Criteria: ClinGen PAH ACMG Specifications v1. Collection method: curation. Allele origin: germline. Inheritance: Autosomal recessive inheritance.
Comment: This variant c.463del (p.Arg155ValfsTer?) in PAH was reported in at least 1 Han Chinese patient with PAH deficiency (paper did not specify how many patients had this variant) (PMID: 28982351), although a defect in BH4 metabolism was excluded by urinary pterin analysis only. This is a frameshift variant in exon 5 out of 13 coding exons, predicted to undergo nonsense mediated mRNA decay, as it is not located in the 3'-most exon or the 3'-most 50 bp of the penultimate exon. The exon is present in biologically-relevant transcripts. This variant is absent from population databases. In summary, this variant meets criteria to be classified as pathogenic for PAH. PAH-specific ACMG/AMP criteria applied: PVS1, PM2, PP4.

Literature cited by the submitters: PubMed 28982351.